The following is an entry in ClinVar:

ClinVar aggregate classification (germline): Pathogenic/Likely pathogenic. Review status: criteria provided, multiple submitters, no conflicts (2 of 4 stars). 2 submissions from 2 submitters: Pathogenic (1); Likely pathogenic (1). Last evaluated 2020-10-20.

Conditions:
Inborn genetic diseases. Identifiers: MedGen C0950123, MeSH D030342.
ATP7A-related disorder. Also called: ATP7A-related condition.

Submissions (2):

Blueprint Genetics
Classification: Likely pathogenic for ATP7A-related disorders. Last evaluated: 2020-10-20. Review status: criteria provided, single submitter. Criteria: ACMG Guidelines, 2015. Collection method: clinical testing. Allele origin: germline. Affected: yes. Observed: 1 variant allele.

Ambry Genetics
Classification: Pathogenic for Inborn genetic diseases. Last evaluated: 2016-07-22. Review status: criteria provided, single submitter. Criteria: Ambry Variant Classification Scheme 2023. Collection method: clinical testing. Allele origin: germline.
Comment: The c.31dupA pathogenic mutation, located in coding exon 1 of the ATP7A gene, results from a duplication of A at nucleotide position 31, causing a translational frameshift with a predicted alternate stop codon. This alteration is expected to result in loss of function by premature protein truncation or nonsense-mediated mRNA decay. As such, this alteration is interpreted as a disease-causing mutation.

NM_000052.7(ATP7A):c.31dup (p.Thr11fs)

Gene: ATP7A (ATPase copper transporting alpha; plus strand). Cytogenetic location: Xq21.1.
Variant type: Duplication.
Coding change: c.31dup on transcript NM_000052.7 (MANE Select); coding-DNA position 31, one base duplicated (A; older notation c.31dupA).
Protein change: p.Thr11fs; shifts the reading frame from threonine 11.
Molecular consequence: frameshift variant. On other transcripts: non-coding transcript variant (1).
Genome position (GRCh38, 1-based): chrX:77,971,672, A duplicated. VCF-style (leftmost placement, unchanged base first): chrX-77971671-T-TA. GRCh37 (hg19) VCF-style: chrX-77227168-T-TA.
Other names: c.31dup, p.Thr11fs (NM_001282224.2); short protein forms T11fs.
Identifiers: ClinVar variation 588061 (VCV000588061.6), dbSNP rs1569549376, ClinGen allele CA891844390.